The following is an entry in ClinVar:

ClinVar aggregate classification (germline): Uncertain significance (1 of 4 stars; one submission).

Conditions:
Hereditary cancer-predisposing syndrome. Also called: Neoplastic Syndromes, Hereditary; Tumor predisposition; Hereditary Cancer Syndrome; Hereditary neoplastic syndrome. Identifiers: Orphanet 140162, MedGen C0027672, MeSH D009386, MONDO:0015356.

gnomAD v4.1: 1 of 1,613,132 alleles (0.000062%); highest among the groups gnomAD compares: Non-Finnish European, 0.000085%; no homozygotes.

Submission:

Ambry Genetics
Classification: Uncertain significance for Hereditary cancer-predisposing syndrome. Last evaluated: 2025-09-10. Review status: criteria provided, single submitter. Criteria: Ambry Variant Classification Scheme 2023. Collection method: clinical testing. Allele origin: germline.
Comment: The p.P305L variant (also known as c.914C>T), located in coding exon 3 of the BLM gene, results from a C to T substitution at nucleotide position 914. The proline at codon 305 is replaced by leucine, an amino acid with similar properties. This amino acid position is conserved. In addition, the in silico prediction for this alteration is inconclusive. Based on the available evidence, the clinical significance of this variant remains unclear.

NM_000057.4(BLM):c.914C>T (p.Pro305Leu)

Gene: BLM (BLM RecQ like helicase; plus strand). Cytogenetic location: 15q26.1.
Variant type: single nucleotide variant.
Coding change: c.914C>T on transcript NM_000057.4 (MANE Select); coding-DNA position 914, C replaced by T.
Protein change: p.Pro305Leu; replaces proline 305 with leucine.
Molecular consequence: missense variant. On other transcripts: 5 prime UTR variant (1).
Genome position (GRCh38, 1-based): chr15:90,751,901, C>T. VCF-style: chr15-90751901-C-T. GRCh37 (hg19) VCF-style: chr15-91295131-C-T.
Other names: c.914C>T, p.Pro305Leu (NM_001287246.2, NM_001287247.2); c.-378C>T (NM_001287248.2); short protein forms P305L.
Identifiers: ClinVar variation 4212166 (VCV004212166.1).